The following is an entry in ClinVar:

ClinVar aggregate classification (germline): Uncertain significance. Review status: criteria provided, multiple submitters, no conflicts (2 of 4 stars). 2 submissions from 2 submitters: Uncertain significance (2). Last evaluated 2026-07-02.

Conditions:
Loeys-Dietz syndrome 2 (LDS2). Also called: TGFBR2-Related Loeys-Dietz Syndrome; AORTIC ANEURYSM, FAMILIAL THORACIC 3; MARFAN SYNDROME, TYPE II; Marfan syndrome, type 2 (formerly); Marfan Syndrome type 2; Marfan like connective tissue disorder. Identifiers: Orphanet 284973, Orphanet 558, MedGen C2674574, MONDO:0012427, OMIM 610168.
Familial thoracic aortic aneurysm and aortic dissection (TAAD). Also called: Thoracic aortic aneurysms and dissections. Identifiers: Orphanet 91387, MedGen C4707243, MONDO:0019625.

gnomAD v4.1: 3 of 1,613,934 alleles (0.00019%); highest among the groups gnomAD compares: Middle Eastern, 0.016%; no homozygotes.

Submissions (2):

Ambry Genetics
Classification: Uncertain significance for Familial thoracic aortic aneurysm and aortic dissection. Last evaluated: 2026-07-02. Review status: criteria provided, single submitter. Criteria: Ambry Variant Classification Scheme 2023. Collection method: clinical testing. Allele origin: germline.
Comment: The p.Q557R variant (also known as c.1670A>G), located in coding exon 8 of the TGFBR2 gene, results from an A to G substitution at nucleotide position 1670. The glutamine at codon 557 is replaced by arginine, an amino acid with highly similar properties. This amino acid position is conserved. In addition, the in silico prediction for this alteration is inconclusive. Based on the available evidence, the clinical significance of this variant remains unclear.

Genomic Medicine Center of Excellence, King Faisal Specialist Hospital and Research Centre
Classification: Uncertain significance for Loeys-Dietz syndrome 2. Last evaluated: 2024-09-22. Review status: criteria provided, single submitter. Criteria: ACMG Guidelines, 2015. Collection method: clinical testing. Allele origin: germline.

NM_003242.6(TGFBR2):c.1595A>G (p.Gln532Arg)

Gene: TGFBR2 (transforming growth factor beta receptor 2; plus strand). Cytogenetic location: 3p24.1.
Variant type: single nucleotide variant.
Coding change: c.1595A>G on transcript NM_003242.6 (MANE Select); coding-DNA position 1595, A replaced by G.
Protein change: p.Gln532Arg; replaces glutamine 532 with arginine.
Molecular consequence: missense variant.
Genome position (GRCh38, 1-based): chr3:30,691,490, A>G. VCF-style: chr3-30691490-A-G. GRCh37 (hg19) VCF-style: chr3-30732982-A-G.
Other names: c.1670A>G, p.Gln557Arg (NM_001024847.3); c.1778A>G, p.Gln593Arg (NM_001407126.1); c.1703A>G, p.Gln568Arg (NM_001407127.1); c.1622A>G, p.Gln541Arg (NM_001407128.1); c.1598A>G, p.Gln533Arg (NM_001407129.1); c.1592A>G, p.Gln531Arg (NM_001407130.1); c.1490A>G, p.Gln497Arg (NM_001407132.1, NM_001407133.1, NM_001407134.1 and 2 more transcripts); c.1310A>G, p.Gln437Arg (NM_001407137.1); and 2 more; short protein forms Q242R, Q412R, Q437R, Q497R, Q531R, Q532R, Q533R, Q541R.
Identifiers: ClinVar variation 3362405 (VCV003362405.2).